The following is an entry in ClinVar:

ClinVar aggregate classification (germline): Uncertain significance (1 of 4 stars; one submission).

Conditions:
Combined immunodeficiency due to LRBA deficiency. Also called: Common variable immunodeficiency 8, with autoimmunity. Identifiers: Orphanet 445018, MedGen C3553512, MONDO:0013863, OMIM 614700.

Allele frequency attached by ClinVar (database versions not stated): ExAC 0.00003; gnomAD 0.00003 and 0.00004; gnomAD exomes 0.00004 and 0.00012; TOPMed 0.00004; ESP Exome Variant Server 0.00008.
gnomAD v4.1: 178 of 1,612,256 alleles (0.011%); highest among the groups gnomAD compares: Non-Finnish European, 0.014%; no homozygotes.

Submission:

Labcorp Genetics (formerly Invitae), Labcorp
Classification: Uncertain significance for Combined immunodeficiency due to LRBA deficiency. Last evaluated: 2024-07-23. Review status: criteria provided, single submitter. Criteria: Invitae Variant Classification Sherloc (09022015). Collection method: clinical testing. Allele origin: germline.
Comment: This sequence change replaces cysteine, which is neutral and slightly polar, with phenylalanine, which is neutral and non-polar, at codon 832 of the LRBA protein (p.Cys832Phe). This variant is present in population databases (rs370492712, gnomAD 0.008%). This variant has not been reported in the literature in individuals affected with LRBA-related conditions. ClinVar contains an entry for this variant (Variation ID: 961703). Advanced modeling of protein sequence and biophysical properties (such as structural, functional, and spatial information, amino acid conservation, physicochemical variation, residue mobility, and thermodynamic stability) performed at Invitae indicates that this missense variant is not expected to disrupt LRBA protein function with a negative predictive value of 80%. In summary, the available evidence is currently insufficient to determine the role of this variant in disease. Therefore, it has been classified as a Variant of Uncertain Significance.

NM_001364905.1(LRBA):c.2495G>T (p.Cys832Phe)

Gene: LRBA (LPS responsive beige-like anchor protein; minus strand). Cytogenetic location: 4q31.3.
Variant type: single nucleotide variant.
Coding change: c.2495G>T on transcript NM_001364905.1 (MANE Select); coding-DNA position 2495, G replaced by T.
Protein change: p.Cys832Phe; replaces cysteine 832 with phenylalanine.
Molecular consequence: missense variant.
Genome position (GRCh38, 1-based): chr4:150,868,260, C>A on the plus strand (G>T on the coding strand, the complement: LRBA is on the minus strand). VCF-style: chr4-150868260-C-A. GRCh37 (hg19) VCF-style: chr4-151789412-C-A.
Other names: c.2495G>T, p.Cys832Phe (NM_001199282.3, NM_001367550.1, NM_006726.5); short protein forms C832F.
Identifiers: ClinVar variation 961703 (VCV000961703.8), dbSNP rs370492712, ClinGen allele CA3103222.
Genomic context (GRCh38, chr4:150,868,260, plus strand): 5'-TTATTAAAAAGTTTAATCATGTCAGAAAGAAAGGCTCTGCGAACCTCCATGCTCTCTGGG[C>A]ACTGGGGAGAATTTCGAAGTAGGGTCGCAATTACTTTTAGTATCTCTGTAAGACAGTTTA-3'
Protein context (NP_001351834.1, residues 822-842): IATLLRNSPQ[Cys832Phe]PESMEVRRAF